The following is an entry in ClinVar:

ClinVar aggregate classification (germline): Likely pathogenic. Review status: criteria provided, multiple submitters, no conflicts (2 of 4 stars). 3 submissions from 3 submitters: Likely pathogenic (3). Last evaluated 2025-09-10.

Conditions:
Hereditary cancer-predisposing syndrome. Also called: Neoplastic Syndromes, Hereditary; Tumor predisposition; Hereditary neoplastic syndrome; Hereditary Cancer Syndrome. Identifiers: Orphanet 140162, MedGen C0027672, MeSH D009386, MONDO:0015356.
Hereditary nonpolyposis colorectal neoplasms. Identifiers: MedGen C0009405, MeSH D003123.
Lynch syndrome 5 (LYNCH5). Also called: Hereditary non-polyposis colorectal cancer, type 5; Colorectal cancer, hereditary nonpolyposis, type 5. Identifiers: Orphanet 144, MedGen C1833477, MONDO:0013710, OMIM 614350. Disease mechanism: loss of function.

Allele frequency attached by ClinVar (database versions not stated): gnomAD exomes below 0.00001.
gnomAD v4.1: 1 of 1,614,038 alleles (0.000062%); highest among the groups gnomAD compares: Non-Finnish European, 0.000085%; no homozygotes.

Submissions (3):

Labcorp Genetics (formerly Invitae), Labcorp
Classification: Likely pathogenic for Hereditary nonpolyposis colorectal neoplasms. Last evaluated: 2025-09-10. Review status: criteria provided, single submitter. Criteria: Invitae Variant Classification Sherloc (09022015). Collection method: clinical testing. Allele origin: germline.
Comment: This sequence change affects a donor splice site in intron 3 of the MSH6 gene. It is expected to disrupt RNA splicing. Variants that disrupt the donor or acceptor splice site typically lead to a loss of protein function (PMID: 16199547), and loss-of-function variants in MSH6 are known to be pathogenic (PMID: 18269114, 24362816). This variant is not present in population databases (gnomAD no frequency). This variant has not been reported in the literature in individuals affected with MSH6-related conditions. ClinVar contains an entry for this variant (Variation ID: 644318). Studies have shown that disruption of this splice site is associated with inconclusive levels of altered splicing (internal data). In summary, the currently available evidence indicates that the variant is pathogenic, but additional data are needed to prove that conclusively. Therefore, this variant has been classified as Likely Pathogenic.

Ambry Genetics
Classification: Likely pathogenic for Hereditary cancer-predisposing syndrome. Last evaluated: 2024-12-27. Review status: criteria provided, single submitter. Criteria: Ambry Variant Classification Scheme 2023. Collection method: clinical testing. Allele origin: germline.
Comment: The c.627+1G>A intronic variant results from a G to A substitution one nucleotide after coding exon 3 of the MSH6 gene. This variant is considered to be rare based on population cohorts in the Genome Aggregation Database (gnomAD). This nucleotide position is well conserved in available vertebrate species. In silico splice site analysis predicts that this alteration will weaken the native splice donor site and will result in the creation or strengthening of a novel splice donor site. Alterations that disrupt the canonical splice site are expected to cause aberrant splicing, resulting in an abnormal protein or a transcript that is subject to nonsense-mediated mRNA decay. As such, this alteration is classified as likely pathogenic.

Myriad Genetics, Inc.
Classification: Likely pathogenic for Lynch syndrome 5. Last evaluated: 2023-08-10. Review status: criteria provided, single submitter. Criteria: Myriad Autosomal Dominant, Autosomal Recessive and X-Linked Classification Criteria (2023). Collection method: clinical testing. Allele origin: unknown.
Comment: This variant is considered likely pathogenic. This variant occurs within a consensus splice junction and is predicted to result in abnormal mRNA splicing of either an out-of-frame exon or an in-frame exon necessary for protein stability and/or normal function.

Literature cited by the submitters: PubMed 16199547 (cited by Labcorp Genetics (formerly Invitae), Labcorp); PubMed 18269114 (cited by Labcorp Genetics (formerly Invitae), Labcorp); PubMed 24362816 (cited by Labcorp Genetics (formerly Invitae), Labcorp).

NM_000179.3(MSH6):c.627+1G>A

Gene: MSH6 (mutS homolog 6; plus strand). Cytogenetic location: 2p16.3.
Variant type: single nucleotide variant.
Coding change: c.627+1G>A on transcript NM_000179.3 (MANE Select); the canonical splice donor site of the intron after coding-DNA position 627, G replaced by A.
Molecular consequence: splice donor variant. On other transcripts: intron variant (8).
Genome position (GRCh38, 1-based): chr2:47,796,064, G>A. VCF-style: chr2-47796064-G-A. GRCh37 (hg19) VCF-style: chr2-48023203-G-A.
Other names: c.627+1G>A (NM_001406809.1, NM_001406796.1, NM_001406808.1 and 5 more transcripts); c.-279-2547G>A (NM_001406811.1, NM_001281493.2, NM_001406812.1 and 4 more transcripts); c.330+1G>A (NM_001406805.1, NM_001406797.1, NM_001406801.1 and 10 more transcripts); c.723+1G>A (NM_001406795.1, NM_001406802.1); c.633+1G>A (NM_001406813.1); c.102+1G>A (NM_001406807.1, NM_001406799.1, NM_001406806.1); c.-368+1G>A (NM_001406814.1); c.549+1G>A (NM_001406804.1); and 3 more.
Identifiers: ClinVar variation 644318 (VCV000644318.11), dbSNP rs1572716545, ClinGen allele CA346738919.